The following is an entry in ClinVar:

ClinVar aggregate classification (germline): Uncertain significance. Review status: criteria provided, single submitter (1 of 4 stars). 2 submissions from 2 submitters: Uncertain significance (1). 1 of the submissions does not count toward it. Last evaluated 2025-07-15.

Conditions:
Inborn genetic diseases. Identifiers: MedGen C0950123, MeSH D030342.
KIDINS220-related disorder. Also called: KIDINS220-related condition.

Submissions (2):

Ambry Genetics
Classification: Uncertain significance for Inborn genetic diseases. Last evaluated: 2025-07-15. Review status: criteria provided, single submitter. Criteria: Ambry Variant Classification Scheme 2023. Collection method: clinical testing. Allele origin: germline.

PreventionGenetics, part of Exact Sciences
Classification: Uncertain significance for KIDINS220-related condition. Last evaluated: 2024-09-25. Review status: no assertion criteria provided. Collection method: clinical testing. Allele origin: germline. Not counted in ClinVar's aggregate classification.
Comment: The KIDINS220 c.3529G>A variant is predicted to result in the amino acid substitution p.Glu1177Lys. To our knowledge, this variant has not been reported in the literature or in a large population database, indicating this variant is rare. This variant occurs at the first nucleotide position of exon 26 and is predicted to reduce the strength of the canonical acceptor site based on available splicing prediction programs (SpliceAI, Jaganathan et al. 2019. PubMed ID: 30661751). However, the use of computer prediction programs is not equivalent to functional evidence. At this time, the clinical significance of this variant is uncertain due to the absence of conclusive functional and genetic evidence.

NM_020738.4(KIDINS220):c.3529G>A (p.Glu1177Lys)

Gene: KIDINS220 (kinase D interacting substrate 220; minus strand). Cytogenetic location: 2p25.1.
Variant type: single nucleotide variant.
Coding change: c.3529G>A on transcript NM_020738.4 (MANE Select); coding-DNA position 3529, G replaced by A.
Protein change: p.Glu1177Lys; replaces glutamic acid 1177 with lysine.
Molecular consequence: missense variant. On other transcripts: non-coding transcript variant (1), intron variant (11).
Genome position (GRCh38, 1-based): chr2:8,747,201, C>T on the plus strand (G>A on the coding strand, the complement: KIDINS220 is on the minus strand). VCF-style: chr2-8747201-C-T. GRCh37 (hg19) VCF-style: chr2-8887331-C-T.
Other names: c.3532G>A, p.Glu1178Lys (NM_001348729.2); c.3414+2911G>A (NM_001348741.2, NM_001348742.2, NM_001348743.2 and 1 more transcripts); c.3528+686G>A (NM_001348738.2, NM_001348732.2); c.3417+2911G>A (NM_001348739.2, NM_001348740.2, NM_001348734.2); c.3531+686G>A (NM_001348731.2); c.3288+2911G>A (NM_001348736.2); short protein forms E1177K, E1178K.
Identifiers: ClinVar variation 3350940 (VCV003350940.2).